The following is an entry in ClinVar:

ClinVar aggregate classification (germline): Uncertain significance (1 of 4 stars; one submission).

gnomAD v4.1: 1 of 1,595,258 alleles (0.000063%); highest among the groups gnomAD compares: Non-Finnish European, 0.000085%; no homozygotes.

Submission:

Mayo Clinic Laboratories, Mayo Clinic
Classification: Uncertain significance. Last evaluated: 2024-04-08. Review status: criteria provided, single submitter. Criteria: ACMG Guidelines, 2015. Collection method: clinical testing. Allele origin: germline. Observed: 1 variant allele.
Comment: PM2

NM_007098.4(CLTCL1):c.2380A>G (p.Asn794Asp)

Gene: CLTCL1 (clathrin heavy chain like 1; minus strand). Cytogenetic location: 22q11.21.
Variant type: single nucleotide variant.
Coding change: c.2380A>G on transcript NM_007098.4 (MANE Select); coding-DNA position 2380, A replaced by G.
Protein change: p.Asn794Asp; replaces asparagine 794 with aspartic acid.
Molecular consequence: missense variant.
Genome position (GRCh38, 1-based): chr22:19,222,722, T>C on the plus strand (A>G on the coding strand, the complement: CLTCL1 is on the minus strand). VCF-style: chr22-19222722-T-C. GRCh37 (hg19) VCF-style: chr22-19210245-T-C.
Other names: p.Asn794Asp; c.2380A>G, p.Asn794Asp (NM_001835.4); short protein forms N794D.
Identifiers: ClinVar variation 3380690 (VCV003380690.1).